The following is an entry in ClinVar:

NM_001162501.2(TNRC6B):c.2006C>G (p.Ala669Gly)

Gene: TNRC6B (trinucleotide repeat containing adaptor 6B; plus strand). Cytogenetic location: 22q13.1.
Variant type: single nucleotide variant.
Coding change: c.2006C>G on transcript NM_001162501.2 (MANE Select); coding-DNA position 2006, C replaced by G.
Protein change: p.Ala669Gly; replaces alanine 669 with glycine.
Molecular consequence: missense variant. On other transcripts: intron variant (1).
Genome position (GRCh38, 1-based): chr22:40,266,236, C>G. VCF-style: chr22-40266236-C-G. GRCh37 (hg19) VCF-style: chr22-40662240-C-G.
Other names: c.2006C>G, p.Ala669Gly (NM_015088.3); c.566-3886C>G (NM_001024843.2); short protein forms A669G.
Identifiers: ClinVar variation 2431766 (VCV002431766.2), dbSNP rs538827705, ClinGen allele CA411631631.

ClinVar aggregate classification (germline): Uncertain significance (1 of 4 stars; one submission).

Conditions:
Global developmental delay with speech and behavioral abnormalities. Identifiers: MedGen C5543226, MONDO:0030995, OMIM 619243.

Allele frequency attached by ClinVar (database versions not stated): TOPMed below 0.00001.

Submission:

Laboratorio de Genetica e Diagnostico Molecular, Hospital Israelita Albert Einstein
Classification: Uncertain significance for Global developmental delay with speech and behavioral abnormalities. Last evaluated: 2022-11-12. Review status: criteria provided, single submitter. Criteria: ACMG Guidelines, 2015. Collection method: clinical testing. Allele origin: germline. Affected: yes.
Comment: ACMG classification criteria: PM2 moderated, BP4 supporting